The following is an entry in ClinVar:

ClinVar aggregate classification (germline): Conflicting classifications of pathogenicity. Review status: criteria provided, conflicting classifications (1 of 4 stars). 3 submissions from 3 submitters: Uncertain significance (2); Likely benign (1). Last evaluated 2026-02-11.

Conditions:
Aortic aneurysm, familial thoracic 4 (AAT4). Also called: AORTIC ANEURYSM/AORTIC DISSECTION AND PATENT DUCTUS ARTERIOSUS. Identifiers: MedGen C1851504, MONDO:0007568, OMIM 132900.
Familial thoracic aortic aneurysm and aortic dissection (TAAD). Also called: Thoracic aortic aneurysms and dissections. Identifiers: Orphanet 91387, MedGen C4707243, MONDO:0019625.

Allele frequency attached by ClinVar (database versions not stated): ExAC 0.00002; 1000 Genomes Project 30x 0.00031; gnomAD 0.00005 and 0.00004; 1000 Genomes Project 0.00040; TOPMed 0.00003.
gnomAD v4.1: 15 of 1,614,026 alleles (0.00093%); highest among the groups gnomAD compares: East Asian, 0.033%; no homozygotes.

Submissions (3):

GeneDx
Classification: Uncertain significance. Last evaluated: 2026-02-11. Review status: criteria provided, single submitter. Criteria: GeneDx Variant Classification Process June 2021. Collection method: clinical testing. Allele origin: germline.
Comment: Has been reported in an individual with TAAD who also carried a p.(S1049R) variant in the MYH11 gene (PMID: 34498425); In silico analysis supports that this missense variant has a deleterious effect on protein structure/function; This variant is associated with the following publications: (PMID: 27611364, 34498425)

Labcorp Genetics (formerly Invitae), Labcorp
Classification: Uncertain significance for Aortic aneurysm, familial thoracic 4. Last evaluated: 2025-10-01. Review status: criteria provided, single submitter. Criteria: Invitae Variant Classification Sherloc (09022015). Collection method: clinical testing. Allele origin: germline.
Comment: This sequence change replaces proline, which is neutral and non-polar, with threonine, which is neutral and polar, at codon 765 of the MYH11 protein (p.Pro765Thr). This variant is present in population databases (rs147056835, gnomAD 0.06%). This missense change has been observed in individual(s) with clinical features of thoracic aortic aneurysm and dissection (PMID: 34498425). This variant is also known as NM_002474:c.2272C>A (p.Pro758Thr). ClinVar contains an entry for this variant (Variation ID: 922925). Invitae Evidence Modeling of protein sequence and biophysical properties (such as structural, functional, and spatial information, amino acid conservation, physicochemical variation, residue mobility, and thermodynamic stability) indicates that this missense variant is not expected to disrupt MYH11 protein function with a negative predictive value of 95%. In summary, the available evidence is currently insufficient to determine the role of this variant in disease. Therefore, it has been classified as a Variant of Uncertain Significance.

Color Diagnostics, LLC DBA Color Health
Classification: Likely benign for Familial thoracic aortic aneurysm and aortic dissection. Last evaluated: 2020-02-20. Review status: criteria provided, single submitter. Criteria: ACMG Guidelines, 2015. Collection method: clinical testing. Allele origin: germline.

Literature cited by the submitters: PubMed 34498425 (cited by Labcorp Genetics (formerly Invitae), Labcorp).

NM_002474.3(MYH11):c.2272C>A (p.Pro758Thr)

Gene: MYH11 (myosin heavy chain 11; minus strand). Cytogenetic location: 16p13.11.
Variant type: single nucleotide variant.
Coding change: c.2272C>A on transcript NM_002474.3 (MANE Select); coding-DNA position 2272, C replaced by A.
Protein change: p.Pro758Thr; replaces proline 758 with threonine.
Molecular consequence: missense variant.
Genome position (GRCh38, 1-based): chr16:15,747,709, G>T on the plus strand (C>A on the coding strand, the complement: MYH11 is on the minus strand). VCF-style: chr16-15747709-G-T. GRCh37 (hg19) VCF-style: chr16-15841566-G-T.
Other names: c.2272C>A (NM_002474.2); c.2293C>A, p.Pro765Thr (NM_001040113.2, NM_001040114.2); c.2272C>A, p.Pro758Thr (NM_022844.3); short protein forms P765T, P758T.
Identifiers: ClinVar variation 922925 (VCV000922925.6), dbSNP rs147056835, ClinGen allele CA7922323.